The following is an entry in ClinVar:

ClinVar aggregate classification (germline): Uncertain significance (1 of 4 stars; one submission).

Conditions:
Progressive familial heart block type IB (PFHB1B). Identifiers: Orphanet 871, MedGen C1970298, MONDO:0011474, OMIM 604559.

Allele frequency attached by ClinVar (database versions not stated): TOPMed below 0.00001; gnomAD 0.00001.
gnomAD v4.1: 1 of 1,614,052 alleles (0.000062%); highest among the groups gnomAD compares: Non-Finnish European, 0.000085%; no homozygotes.

Submission:

Labcorp Genetics (formerly Invitae), Labcorp
Classification: Uncertain significance for Progressive familial heart block type IB. Last evaluated: 2024-10-30. Review status: criteria provided, single submitter. Criteria: Invitae Variant Classification Sherloc (09022015). Collection method: clinical testing. Allele origin: germline.
Comment: This sequence change replaces alanine, which is neutral and non-polar, with proline, which is neutral and non-polar, at codon 661 of the TRPM4 protein (p.Ala661Pro). This variant is not present in population databases (gnomAD no frequency). This variant has not been reported in the literature in individuals affected with TRPM4-related conditions. ClinVar contains an entry for this variant (Variation ID: 1015348). An algorithm developed to predict the effect of missense changes on protein structure and function (PolyPhen-2) suggests that this variant is likely to be disruptive. In summary, the available evidence is currently insufficient to determine the role of this variant in disease. Therefore, it has been classified as a Variant of Uncertain Significance.

NM_017636.4(TRPM4):c.1981G>C (p.Ala661Pro)

Gene: TRPM4 (transient receptor potential cation channel subfamily M member 4; plus strand). Cytogenetic location: 19q13.33.
Variant type: single nucleotide variant.
Coding change: c.1981G>C on transcript NM_017636.4 (MANE Select); coding-DNA position 1981, G replaced by C.
Protein change: p.Ala661Pro; replaces alanine 661 with proline.
Molecular consequence: missense variant.
Genome position (GRCh38, 1-based): chr19:49,189,053, G>C. VCF-style: chr19-49189053-G-C. GRCh37 (hg19) VCF-style: chr19-49692310-G-C.
Other names: c.1981G>C, p.Ala661Pro (NM_001195227.2); c.1636G>C, p.Ala546Pro (NM_001321281.2); c.373G>C, p.Ala125Pro (NM_001321282.2); c.1459G>C, p.Ala487Pro (NM_001321283.2); c.919G>C, p.Ala307Pro (NM_001321285.2); short protein forms A125P, A307P, A487P, A546P, A661P.
Identifiers: ClinVar variation 1015348 (VCV001015348.9), dbSNP rs1448238986, ClinGen allele CA406804072.